The following is an entry in ClinVar:

NM_014727.3(KMT2B):c.4271A>G (p.Lys1424Arg)

Gene: KMT2B (lysine methyltransferase 2B; plus strand). Cytogenetic location: 19q13.12.
Variant type: single nucleotide variant.
Coding change: c.4271A>G on transcript NM_014727.3 (MANE Select); coding-DNA position 4271, A replaced by G.
Protein change: p.Lys1424Arg; replaces lysine 1424 with arginine.
Molecular consequence: missense variant.
Genome position (GRCh38, 1-based): chr19:35,727,591, A>G. VCF-style: chr19-35727591-A-G. GRCh37 (hg19) VCF-style: chr19-36218492-A-G.
Other names: short protein forms K1424R.
Identifiers: ClinVar variation 4535607 (VCV004535607.1).
Genomic context (GRCh38, chr19:35,727,591, plus strand): 5'-CCCTGAGCGGGGCCCTCCAGGGGGGCCTGCGCCAGGTGCTCCAGGGCCTGCTGAGCTCCA[A>G]GGTGGTGGGCCCACTGCTGCTCTGCACCCAGGTCTGGAGGGCCCTGGAGGCAGGATGGGC-3'
Protein context (NP_055542.1, residues 1414-1434): RQVLQGLLSS[Lys1424Arg]VVGPLLLCTQ

ClinVar aggregate classification (germline): Uncertain significance (1 of 4 stars; one submission).

Submission:

Women's Health and Genetics/Laboratory Corporation of America, LabCorp
Classification: Uncertain significance. Last evaluated: 2025-09-29. Review status: criteria provided, single submitter. Criteria: LabCorp Variant Classification Summary - May 2015. Collection method: clinical testing. Allele origin: germline.
Comment: Variant summary: KMT2B c.4271A>G (p.Lys1424Arg) results in a conservative amino acid change in the encoded protein sequence. Algorithms developed to predict the effect of missense changes on protein structure and function all suggest that this variant is likely to be tolerated. The variant was absent in 236262 control chromosomes. The available data on variant occurrences in the general population are insufficient to allow any conclusion about variant significance. To our knowledge, no occurrence of c.4271A>G in individuals affected with KMT2B-related conditions and no experimental evidence demonstrating its impact on protein function have been reported. No submitters have cited clinical-significance assessments for this variant to ClinVar. Based on the evidence outlined above, the variant was classified as uncertain significance.